The following is an entry in ClinVar:

ClinVar aggregate classification (germline): Conflicting classifications of pathogenicity. Review status: criteria provided, conflicting classifications (1 of 4 stars). 2 submissions from 2 submitters: Uncertain significance (1); Benign (1). Last evaluated 2025-03-31.

Conditions:
Hereditary cancer-predisposing syndrome. Also called: Hereditary Cancer Syndrome; Hereditary neoplastic syndrome; Neoplastic Syndromes, Hereditary; Tumor predisposition. Identifiers: Orphanet 140162, MedGen C0027672, MeSH D009386, MONDO:0015356.
Peutz-Jeghers syndrome (PJS). Also called: POLYPOSIS, HAMARTOMATOUS INTESTINAL; POLYPS-AND-SPOTS SYNDROME; Peutz-Jeghers polyposis; Periorificial lentiginosis syndrome. Identifiers: Orphanet 2869, MedGen C0031269, MeSH D010580, MONDO:0008280, OMIM 175200.

Submissions (2):

Myriad Genetics, Inc.
Classification: Benign for Peutz-Jeghers syndrome. Last evaluated: 2025-03-31. Review status: criteria provided, single submitter. Criteria: Myriad Autosomal Dominant, Autosomal Recessive and X-Linked Classification Criteria (2023). Collection method: clinical testing. Allele origin: unknown.
Comment: This variant is considered benign. This variant occurs in the non-coding 3' untranslated region of the gene, and is not expected to impact protein function.

Color Diagnostics, LLC DBA Color Health
Classification: Uncertain significance for Hereditary cancer-predisposing syndrome. Last evaluated: 2019-04-25. Review status: criteria provided, single submitter. Criteria: ACMG Guidelines, 2015. Collection method: clinical testing. Allele origin: germline.

NM_000455.5(STK11):c.*9_*10delinsTA

Gene: STK11 (serine/threonine kinase 11; plus strand). Cytogenetic location: 19p13.3.
Variant type: Indel.
Coding change: c.*9_*10delinsTA on transcript NM_000455.5 (MANE Select); 9 bases downstream of the stop codon through 10 bases downstream of the stop codon, GC replaced by TA.
Molecular consequence: 3 prime UTR variant.
Genome position (GRCh38, 1-based): chr19:1,226,656-1,226,657, GC replaced by TA. VCF-style: chr19-1226656-GC-TA. GRCh37 (hg19) VCF-style: chr19-1226655-GC-TA.
Identifiers: ClinVar variation 924453 (VCV000924453.3), dbSNP rs2080824794, ClinGen allele CA913189006.
Genomic context (GRCh38, chr19:1,226,656, plus strand): 5'-CTGCTCCGCCAGCAGCAAGATCCGCCGGCTGTCGGCCTGCAAGCAGCAGTGAGGCTGGCC[GC>TA]CTGCAGGTGGGGCGCGGCGGGGCCCGGGTGGGGCATGTGGGGACAACGCCTGGATGCCAC-3'